The following is an entry in ClinVar:

NM_000540.3(RYR1):c.9696C>T (p.Leu3232=)

Gene: RYR1 (ryanodine receptor 1; plus strand). Cytogenetic location: 19q13.2.
Variant type: single nucleotide variant.
Coding change: c.9696C>T on transcript NM_000540.3 (MANE Select); coding-DNA position 9696, C replaced by T.
Protein change: p.Leu3232=; no amino-acid change (leucine 3232 retained).
Molecular consequence: synonymous variant.
Genome position (GRCh38, 1-based): chr19:38,517,369, C>T. VCF-style: chr19-38517369-C-T. GRCh37 (hg19) VCF-style: chr19-39008009-C-T.
Other names: c.9696C>T, p.Leu3232= (NM_001042723.2).
Identifiers: ClinVar variation 3069817 (VCV003069817.4), dbSNP rs1971017682, ClinGen allele CA507247081.

ClinVar aggregate classification (germline): Likely benign. Review status: criteria provided, multiple submitters, no conflicts (2 of 4 stars). 2 submissions from 2 submitters: Likely benign (2). Last evaluated 2025-07-22.

Conditions:
RYR1-related disorder. Also called: RYR1-related condition; RYR1-related disorders. Identifiers: MedGen CN239331.
Malignant hyperthermia, susceptibility to, 1 (MHS1). Also called: RYR1-Related Malignant Hyperthermia Susceptibility; Anesthesia related hyperthermia; Malignant hyperpyrexia; Fulminating hyperpyrexia; Pharmacogenic myopathy; Malignant hyperthermia suceptibility 1. Identifiers: Orphanet 423, MedGen C2930980, MONDO:0007783, OMIM 145600.

Allele frequency attached by ClinVar (database versions not stated): gnomAD exomes below 0.00001.
gnomAD v4.1: 2 of 1,613,650 alleles (0.00012%); highest among the groups gnomAD compares: Non-Finnish European, 0.00017%; no homozygotes.

Submissions (2):

Labcorp Genetics (formerly Invitae), Labcorp
Classification: Likely benign for RYR1-related disorder. Last evaluated: 2025-07-22. Review status: criteria provided, single submitter. Criteria: Invitae Variant Classification Sherloc (09022015). Collection method: clinical testing. Allele origin: germline.

All of Us Research Program, National Institutes of Health
Classification: Likely benign for Malignant hyperthermia, susceptibility to, 1. Last evaluated: 2024-02-22. Review status: criteria provided, single submitter. Criteria: ACMG Guidelines, 2015. Collection method: clinical testing. Allele origin: germline. Inheritance: Autosomal dominant inheritance. Observed: 4 variant alleles, 4 heterozygotes.
Comment: This study involves interpretation of variants in research participants for the purpose of population health screening. Participant phenotype was not available at the time of variant classification. Additional details can be found in publication PMID: 35346344, PMCID: PMC8962531